The following is an entry in ClinVar:

NM_000059.4(BRCA2):c.1538A>G (p.Lys513Arg)

Gene: BRCA2 (BRCA2 DNA repair associated; plus strand). Cytogenetic location: 13q13.1.
Variant type: single nucleotide variant.
Coding change: c.1538A>G on transcript NM_000059.4 (MANE Select); coding-DNA position 1538, A replaced by G.
Protein change: p.Lys513Arg; replaces lysine 513 with arginine.
Molecular consequence: missense variant.
Genome position (GRCh38, 1-based): chr13:32,333,016, A>G. VCF-style: chr13-32333016-A-G. GRCh37 (hg19) VCF-style: chr13-32907153-A-G.
Other names: p.K513R:AAA>AGA; 1766A>G; short protein forms K513R.
Identifiers: ClinVar variation 125947 (VCV000125947.41), dbSNP rs28897709, ClinGen allele CA012318.

ClinVar aggregate classification (germline): Benign. Review status: reviewed by expert panel (3 of 4 stars). 15 submissions from 15 submitters: Benign (1). 14 of the submissions do not count toward it. Last evaluated 2015-08-10.

Conditions:
BRCA2-related disorder. Also called: BRCA2-related condition; BRCA2-related disorders. Identifiers: MedGen CN239275.
BRCA2-related cancer predisposition. Identifiers: MedGen CN377758, MONDO:0700269.
Breast and/or ovarian cancer. Identifiers: MedGen CN221562.
Wilms tumor 1 (WT1). Also called: Wilms tumor, somatic. Identifiers: Orphanet 654, MedGen CN033288, MONDO:0008679, OMIM 194070.
Prostate cancer. Also called: Malignant tumor of prostate. Identifiers: Orphanet 1331, MedGen C0376358, MONDO:0008315, HP:0012125.
Familial cancer of breast. Also called: BREAST CANCER, FAMILIAL; Hereditary breast cancer; hereditary breast carcinoma. Identifiers: Orphanet 227535, MedGen C0346153, MONDO:0016419, OMIM 114480. Disease mechanism: loss of function.
Fanconi anemia complementation group D1. Also called: BRCA2-Related Fanconi Anemia. Identifiers: Orphanet 319462, MedGen C1838457, MONDO:0011584, OMIM 605724.
Medulloblastoma (MDB). Also called: Medulloblastoma, somatic; MEDULLOBLASTOMA PREDISPOSITION SYNDROME. Identifiers: Orphanet 616, MedGen C0025149, MeSH D008527, MONDO:0007959, OMIM 155255, HP:0002885.
Breast-ovarian cancer, familial, susceptibility to, 2 (BROVCA2). Also called: BRCA2 Hereditary Breast and Ovarian Cancer. Identifiers: Orphanet 145, MedGen C2675520, MONDO:0012933, OMIM 612555. Disease mechanism: loss of function.
Pancreatic cancer, susceptibility to, 2. Identifiers: Orphanet 1333, MedGen C3150546, MONDO:0013235, OMIM 613347.
Glioma susceptibility 3 (GLM3). Also called: Glioblastoma 3. Identifiers: Orphanet 182067, Orphanet 360, MedGen C2751641, MONDO:0013093, OMIM 613029.
Hereditary cancer-predisposing syndrome. Also called: Hereditary Cancer Syndrome; Tumor predisposition; Hereditary neoplastic syndrome; Neoplastic Syndromes, Hereditary. Identifiers: Orphanet 140162, MedGen C0027672, MeSH D009386, MONDO:0015356.
Hereditary breast ovarian cancer syndrome. Also called: Hereditary breast and/or ovarian cancer syndrome; Hereditary breast and ovarian cancer syndrome; Hereditary breast and ovarian cancer syndrome (HBOC); Hereditary breast and ovarian cancer; Breast and ovarian cancer; BRCA1- and BRCA2-Associated Hereditary Breast and Ovarian Cancer. Identifiers: Orphanet 145, MedGen C0677776, MeSH D061325, MONDO:0003582. Disease mechanism: loss of function.

Allele frequency attached by ClinVar (database versions not stated): TOPMed 0.00002; gnomAD exomes 0.00006 and 0.00004; gnomAD 0.00002; ExAC 0.00005.
gnomAD v4.1: 91 of 1,596,268 alleles (0.0057%); highest among the groups gnomAD compares: Non-Finnish European, 0.0073%; no homozygotes.

Submissions (15):

Evidence-based Network for the Interpretation of Germline Mutant Alleles (ENIGMA)
Classification: Benign for Breast-ovarian cancer, familial 2. Last evaluated: 2015-08-10. Review status: reviewed by expert panel. Criteria: ENIGMA BRCA1/2 Classification Criteria (2015). Collection method: curation. Allele origin: germline.
Comment: IARC class based on posterior probability from multifactorial likelihood analysis, thresholds for class as per Plon et al. 2008 (PMID: 18951446). Class 1 based on posterior probability = 0.000189

Labcorp Genetics (formerly Invitae), Labcorp
Classification: Benign for Hereditary breast ovarian cancer syndrome. Last evaluated: 2026-01-05. Review status: criteria provided, single submitter. Criteria: Invitae Variant Classification Sherloc (09022015). Collection method: clinical testing. Allele origin: germline. Not counted in ClinVar's aggregate classification.

Women's Health and Genetics/Laboratory Corporation of America, LabCorp
Classification: Likely benign. Last evaluated: 2025-12-15. Review status: criteria provided, single submitter. Criteria: LabCorp Variant Classification Summary - May 2015. Collection method: clinical testing. Allele origin: germline. Not counted in ClinVar's aggregate classification.
Comment: Variant summary: BRCA2 c.1538A>G (p.Lys513Arg) results in a conservative amino acid change in the encoded protein sequence. Algorithms developed to predict the effect of missense changes on protein structure and function all suggest that this variant is likely to be tolerated. The variant allele was found at a frequency of 3.8e-05 in 234592 control chromosomes. The available data on variant occurrences in the general population are insufficient to allow any conclusion about variant significance. The variant, c.1538A>G, has been reported in the literature in individuals affected with breast cancer (Lee_2008, Spurdle_2008, Loughrey_2008) and other tumor phenotypes (Kote-Jarai_2011, Young_2018). These reports do not provide unequivocal conclusions about association of the variant with Hereditary Breast and Ovarian Cancer. A co-occurrence with another pathogenic variant in a different BRCA gene (BRCA1) has been reported (BRCA1 c.1961delA, p.Lys654SerfsX47; Spurdle_2008), providing supporting evidence for a benign role. In addition, multifactorial probability models, performing systematic assessments of variants of unknown significance in the BRCA genes, which included analysis of co-occurrence in trans with known deleterious mutations, personal and family history of cancer, tumor pathology and co-segregation with disease in pedigrees, predicted this variant to be neutral (Easton_2007 and Lindor_2012). To our knowledge, no experimental evidence demonstrating an impact on protein function has been reported. The following publications have been ascertained in the context of this evaluation (PMID: 17924331, 24323938, 21702907, 21952622, 18284688, 21990134, 18446624, 18724707, 18375895, 29945567, 36471068, 33978741, 37970354, 22913592, 29580235, 30181556, 34045478). ClinVar contains an entry for this variant (Variation ID: 125947). Based on the evidence outlined above, the variant was classified as likely benign.

PreventionGenetics, part of Exact Sciences
Classification: Likely benign for BRCA2-related condition. Last evaluated: 2025-11-03. Review status: criteria provided, single submitter. Criteria: ACMG Guidelines, 2015. Collection method: clinical testing. Allele origin: germline. Not counted in ClinVar's aggregate classification.
Comment: This variant is classified as likely benign based on ACMG/AMP sequence variant interpretation guidelines (Richards et al. 2015 PMID: 25741868, with internal and published modifications).

Blueprint Genetics
Classification: Likely benign. Last evaluated: 2024-05-28. Review status: criteria provided, single submitter. Criteria: ACMG Guidelines, 2015. Collection method: clinical testing. Allele origin: germline. Not counted in ClinVar's aggregate classification.

Fulgent Genetics
Classification: Likely benign for Familial cancer of breast; Medulloblastoma; Familial prostate cancer; Wilms tumor 1; Fanconi anemia complementation group D1; Breast-ovarian cancer, familial, susceptibility to, 2; Glioma susceptibility 3; Pancreatic cancer, susceptibility to, 2. Last evaluated: 2022-05-29. Review status: criteria provided, single submitter. Criteria: ACMG Guidelines, 2015. Collection method: clinical testing. Allele origin: unknown. Not counted in ClinVar's aggregate classification.

GeneDx
Classification: Likely benign. Last evaluated: 2021-12-22. Review status: criteria provided, single submitter. Criteria: GeneDx Variant Classification Process June 2021. Collection method: clinical testing. Allele origin: germline. Affected: yes. Not counted in ClinVar's aggregate classification.
Comment: This variant is associated with the following publications: (PMID: 18724707, 17924331, 21952622, 24323938, 18375895, 21990134, 18284688)

Quest Diagnostics Nichols Institute San Juan Capistrano
Classification: Likely benign. Last evaluated: 2021-07-21. Review status: criteria provided, single submitter. Criteria: Quest Diagnostics criteria. Collection method: clinical testing. Allele origin: unknown. Not counted in ClinVar's aggregate classification.

Department of Pathology and Laboratory Medicine, Sinai Health System
Classification: Likely benign for BRCA2-related cancer predisposition. Last evaluated: 2020-06-04. Review status: criteria provided, single submitter. Criteria: ACMG Guidelines, 2015. Collection method: clinical testing. Allele origin: germline. Affected: no. Not counted in ClinVar's aggregate classification.

ARUP Laboratories, Molecular Genetics and Genomics, ARUP Laboratories
Classification: Likely benign. Last evaluated: 2018-10-10. Review status: criteria provided, single submitter. Criteria: ARUP Molecular Germline Variant Investigation Process. Collection method: clinical testing. Allele origin: germline. Not counted in ClinVar's aggregate classification.

CHEO Genetics Diagnostic Laboratory, Children's Hospital of Eastern Ontario
Classification: Benign for Breast and/or ovarian cancer. Last evaluated: 2017-08-23. Review status: criteria provided, single submitter. Criteria: ACMG Guidelines, 2015. Collection method: clinical testing. Allele origin: germline. Study: Canadian Open Genetics Repository. Not counted in ClinVar's aggregate classification.

Color Diagnostics, LLC DBA Color Health
Classification: Likely benign for Hereditary cancer-predisposing syndrome. Last evaluated: 2016-12-08. Review status: criteria provided, single submitter. Criteria: ACMG Guidelines, 2015. Collection method: clinical testing. Allele origin: germline. Not counted in ClinVar's aggregate classification.

Ambry Genetics
Classification: Benign for Hereditary cancer-predisposing syndrome. Last evaluated: 2014-11-19. Review status: criteria provided, single submitter. Criteria: Ambry Variant Classification Scheme 2023. Collection method: clinical testing. Allele origin: germline. Not counted in ClinVar's aggregate classification.

Counsyl
Classification: Benign for Breast-ovarian cancer, familial, susceptibility to, 2. Last evaluated: 2016-07-27. Review status: no assertion criteria provided. Collection method: clinical testing. Allele origin: unknown. Not counted in ClinVar's aggregate classification.

Breast Cancer Information Core (BIC) (BRCA2)
Classification: Uncertain significance for Breast-ovarian cancer, familial 2. Last evaluated: 2011-10-19. Review status: no assertion criteria provided. Collection method: clinical testing. Allele origin: germline. Affected: yes. Observed: 1 variant allele. Not counted in ClinVar's aggregate classification.

Literature cited by the submitters: PubMed 21990134 (cited by 4 submitters); PubMed 17924331 (cited by Women's Health and Genetics/Laboratory Corporation of America, LabCorp and Quest Diagnostics Nichols Institute San Juan Capistrano); PubMed 21702907 (cited by Women's Health and Genetics/Laboratory Corporation of America, LabCorp and Department of Pathology and Laboratory Medicine, Sinai Health System); PubMed 18375895 (cited by 4 submitters); PubMed 18284688 (cited by Women's Health and Genetics/Laboratory Corporation of America, LabCorp and Department of Pathology and Laboratory Medicine, Sinai Health System); PubMed 21952622 (cited by Women's Health and Genetics/Laboratory Corporation of America, LabCorp and Department of Pathology and Laboratory Medicine, Sinai Health System); PubMed 24323938 (cited by Women's Health and Genetics/Laboratory Corporation of America, LabCorp and Quest Diagnostics Nichols Institute San Juan Capistrano); PubMed 18724707 (cited by Women's Health and Genetics/Laboratory Corporation of America, LabCorp and Quest Diagnostics Nichols Institute San Juan Capistrano); PubMed 22913592 (cited by Women's Health and Genetics/Laboratory Corporation of America, LabCorp); PubMed 18446624 (cited by Women's Health and Genetics/Laboratory Corporation of America, LabCorp and Quest Diagnostics Nichols Institute San Juan Capistrano); PubMed 29580235 (cited by Women's Health and Genetics/Laboratory Corporation of America, LabCorp); PubMed 29945567 (cited by 3 submitters); PubMed 30181556 (cited by Women's Health and Genetics/Laboratory Corporation of America, LabCorp); PubMed 33978741 (cited by Women's Health and Genetics/Laboratory Corporation of America, LabCorp); PubMed 37970354 (cited by Women's Health and Genetics/Laboratory Corporation of America, LabCorp); PubMed 34045478 (cited by Women's Health and Genetics/Laboratory Corporation of America, LabCorp); PubMed 36471068 (cited by Women's Health and Genetics/Laboratory Corporation of America, LabCorp).